The following is an entry in ClinVar:

ClinVar aggregate classification (germline): Likely pathogenic (0 of 4 stars; one submission).

Conditions:
Duchenne muscular dystrophy (DMD). Also called: MUSCULAR DYSTROPHY, PSEUDOHYPERTROPHIC PROGRESSIVE, DUCHENNE TYPE; Duchenne Muscular Dystrophy (DMD). Identifiers: Orphanet 98896, MedGen C0013264, MONDO:0010679, OMIM 310200.

Submission:

Hong-Tao Li Lab, Institute of Brain Science and Brain-inspired Research, Shandong First Medical University & Shandong Academy of Medical Sciences China
Classification: Likely pathogenic for Duchenne muscular dystrophy. Review status: no assertion criteria provided. Collection method: research. Allele origin: germline. Inheritance: X-linked dominant inheritance. Affected: yes. Observed: 1 variant allele, 1 hemizygote.
Comment: Observed in affected individuals from a Pakistani neurodevelopmental-disorder research cohort of 263 individuals. Classification assigned using the ACMG/AMP framework.

NM_004006.3(DMD):c.6432T>A (p.Tyr2144Ter)

Gene: DMD (dystrophin; minus strand). Cytogenetic location: Xp21.1.
Variant type: single nucleotide variant.
Coding change: c.6432T>A on transcript NM_004006.3 (MANE Select); coding-DNA position 6432, T replaced by A.
Protein change: p.Tyr2144Ter; replaces tyrosine 2144 with a stop codon.
Molecular consequence: nonsense.
Genome position (GRCh38, 1-based): chrX:32,216,922, A>T on the plus strand (T>A on the coding strand, the complement: DMD is on the minus strand). VCF-style: chrX-32216922-A-T. GRCh37 (hg19) VCF-style: chrX-32235039-A-T.
Other names: c.6408T>A, p.Tyr2136Ter (NM_000109.4); c.6420T>A, p.Tyr2140Ter (NM_004009.3); c.6063T>A, p.Tyr2021Ter (NM_004010.3); c.2409T>A, p.Tyr803Ter (NM_004011.4); c.2400T>A, p.Tyr800Ter (NM_004012.4); short protein forms Y2021*, Y2136*, Y2140*, Y2144*, Y800*, Y803*.
Identifiers: ClinVar variation 4884802 (VCV004884802.1), dbSNP rs2147864848.